The following is an entry in ClinVar:

NM_024642.5(GALNT12):c.1703A>C (p.Asn568Thr)

Gene: GALNT12 (polypeptide N-acetylgalactosaminyltransferase 12; plus strand). Cytogenetic location: 9q22.33.
Variant type: single nucleotide variant.
Coding change: c.1703A>C on transcript NM_024642.5 (MANE Select); coding-DNA position 1703, A replaced by C.
Protein change: p.Asn568Thr; replaces asparagine 568 with threonine.
Molecular consequence: missense variant.
Genome position (GRCh38, 1-based): chr9:98,849,049, A>C. VCF-style: chr9-98849049-A-C. GRCh37 (hg19) VCF-style: chr9-101611331-A-C.
Other names: short protein forms N568T.
Identifiers: ClinVar variation 819868 (VCV000819868.5), dbSNP rs749874941, ClinGen allele CA374223253.

ClinVar aggregate classification (germline): Uncertain significance (1 of 4 stars; one submission).

gnomAD v4.1: 1 of 1,614,192 alleles (0.000062%); highest among the groups gnomAD compares: Non-Finnish European, 0.000085%; no homozygotes.

Submission:

Ambry Genetics
Classification: Uncertain significance. Last evaluated: 2024-04-10. Review status: criteria provided, single submitter. Criteria: Ambry Variant Classification Scheme 2023. Collection method: clinical testing. Allele origin: germline.
Comment: The p.N568T variant (also known as c.1703A>C), located in coding exon 10 of the GALNT12 gene, results from an A to C substitution at nucleotide position 1703. The asparagine at codon 568 is replaced by threonine, an amino acid with similar properties. This amino acid position is not well conserved in available vertebrate species. In addition, this alteration is predicted to be tolerated by in silico analysis. Since supporting evidence is limited at this time, the clinical significance of this alteration remains unclear.